The following is an entry in ClinVar:

ClinVar aggregate classification (germline): Uncertain significance. Review status: criteria provided, multiple submitters, no conflicts (2 of 4 stars). 2 submissions from 2 submitters: Uncertain significance (2). Last evaluated 2024-03-24.

Conditions:
POLD1-related polyposis and colorectal cancer syndrome (CRCS10). Also called: Colorectal cancer 10; Colorectal cancer, susceptibility to, 10; COLORECTAL CANCER, SUSCEPTIBILITY TO, ON CHROMOSOME 19q. Identifiers: Orphanet 220460, MedGen C2675481, MONDO:0012953, OMIM 612591.
Hereditary cancer-predisposing syndrome. Also called: Tumor predisposition; Hereditary Cancer Syndrome; Hereditary neoplastic syndrome; Neoplastic Syndromes, Hereditary. Identifiers: Orphanet 140162, MedGen C0027672, MeSH D009386, MONDO:0015356.

Submissions (2):

Ambry Genetics
Classification: Uncertain significance for Hereditary cancer-predisposing syndrome. Last evaluated: 2024-03-24. Review status: criteria provided, single submitter. Criteria: Ambry Variant Classification Scheme 2023. Collection method: clinical testing. Allele origin: germline.
Comment: The p.G230S variant (also known as c.688G>A), located in coding exon 5 of the POLD1 gene, results from a G to A substitution at nucleotide position 688. The glycine at codon 230 is replaced by serine, an amino acid with similar properties. This amino acid position is conserved. In addition, the in silico prediction for this alteration is inconclusive. Based on the available evidence, the clinical significance of this alteration remains unclear.

Labcorp Genetics (formerly Invitae), Labcorp
Classification: Uncertain significance for POLD1-related polyposis and colorectal cancer syndrome. Last evaluated: 2023-12-26. Review status: criteria provided, single submitter. Criteria: Invitae Variant Classification Sherloc (09022015). Collection method: clinical testing. Allele origin: germline.
Comment: This sequence change replaces glycine, which is neutral and non-polar, with serine, which is neutral and polar, at codon 230 of the POLD1 protein (p.Gly230Ser). This variant is not present in population databases (gnomAD no frequency). This variant has not been reported in the literature in individuals affected with POLD1-related conditions. Advanced modeling of protein sequence and biophysical properties (such as structural, functional, and spatial information, amino acid conservation, physicochemical variation, residue mobility, and thermodynamic stability) performed at Invitae indicates that this missense variant is not expected to disrupt POLD1 protein function with a negative predictive value of 80%. In summary, the available evidence is currently insufficient to determine the role of this variant in disease. Therefore, it has been classified as a Variant of Uncertain Significance.

NM_002691.4(POLD1):c.688G>A (p.Gly230Ser)

Gene: POLD1 (DNA polymerase delta 1, catalytic subunit; plus strand). Cytogenetic location: 19q13.33.
Variant type: single nucleotide variant.
Coding change: c.688G>A on transcript NM_002691.4 (MANE Select); coding-DNA position 688, G replaced by A.
Protein change: p.Gly230Ser; replaces glycine 230 with serine.
Molecular consequence: missense variant. On other transcripts: non-coding transcript variant (1).
Genome position (GRCh38, 1-based): chr19:50,402,303, G>A. VCF-style: chr19-50402303-G-A. GRCh37 (hg19) VCF-style: chr19-50905560-G-A.
Other names: c.688G>A, p.Gly230Ser (NM_001256849.1, NM_001308632.1); c.688G>A (NM_002691.2); short protein forms G230S.
Identifiers: ClinVar variation 2705637 (VCV002705637.4), dbSNP rs2513963922, ClinGen allele CA406974356.